The following is an entry in ClinVar:

ClinVar aggregate classification (germline): Uncertain significance. Review status: criteria provided, multiple submitters, no conflicts (2 of 4 stars). 2 submissions from 2 submitters: Uncertain significance (2). Last evaluated 2024-12-17.

Allele frequency attached by ClinVar (database versions not stated): gnomAD exomes below 0.00001.
gnomAD v4.1: 2 of 1,604,196 alleles (0.00012%); highest among the groups gnomAD compares: Non-Finnish European, 0.00017%; no homozygotes.

Submissions (2):

Ambry Genetics
Classification: Uncertain significance. Last evaluated: 2024-12-17. Review status: criteria provided, single submitter. Criteria: Ambry Variant Classification Scheme 2023. Collection method: clinical testing. Allele origin: germline.

Labcorp Genetics (formerly Invitae), Labcorp
Classification: Uncertain significance. Last evaluated: 2020-11-27. Review status: criteria provided, single submitter. Criteria: Invitae Variant Classification Sherloc (09022015). Collection method: clinical testing. Allele origin: germline.
Comment: This sequence change replaces lysine with glutamic acid at codon 350 of the IDH3A protein (p.Lys350Glu). The lysine residue is highly conserved and there is a small physicochemical difference between lysine and glutamic acid. This variant is not present in population databases (ExAC no frequency). This variant has not been reported in the literature in individuals with IDH3A-related conditions. Algorithms developed to predict the effect of missense changes on protein structure and function are either unavailable or do not agree on the potential impact of this missense change (SIFT: "Tolerated"; PolyPhen-2: "Possibly Damaging"; Align-GVGD: "Class C0"). In summary, the available evidence is currently insufficient to determine the role of this variant in disease. Therefore, it has been classified as a Variant of Uncertain Significance.

NM_005530.3(IDH3A):c.1048A>G (p.Lys350Glu)

Genes: ACSBG1 (acyl-CoA synthetase bubblegum family member 1; minus strand), IDH3A (isocitrate dehydrogenase (NAD(+)) 3 catalytic subunit alpha; plus strand). Cytogenetic location: 15q25.1.
Variant type: single nucleotide variant.
Coding change: c.1048A>G on transcript NM_005530.3 (MANE Select); coding-DNA position 1048, A replaced by G.
Protein change: p.Lys350Glu; replaces lysine 350 with glutamic acid.
Molecular consequence: missense variant. On other transcripts: 3 prime UTR variant (2).
Genome position (GRCh38, 1-based): chr15:78,168,952, A>G. VCF-style: chr15-78168952-A-G. GRCh37 (hg19) VCF-style: chr15-78461294-A-G.
Other names: c.1048A>G (NM_005530.2); c.*2492T>C (NM_001199377.2, NM_015162.5); short protein forms K350E.
Identifiers: ClinVar variation 1489360 (VCV001489360.9), dbSNP rs2141308114, ClinGen allele CA393547296.
Genomic context (GRCh38, chr15:78,168,952, plus strand): 5'-TCTTTTATTTTTGCTTTTTCCTTTTCTCAGAGCTTGACAAAAGATTTGGGAGGCAATGCA[A>G]AATGCTCAGACTTCACAGAGGAAATCTGTCGCCGAGTAAAAGATTTAGATTAACACTTCT-3'
Protein context (NP_005521.1, residues 340-360): SLTKDLGGNA[Lys350Glu]CSDFTEEICR